The following is an entry in ClinVar:

NM_001278689.2(EOGT):c.469A>G (p.Thr157Ala)

Gene: EOGT (EGF domain specific O-linked N-acetylglucosamine transferase; minus strand). Cytogenetic location: 3p14.1.
Variant type: single nucleotide variant.
Coding change: c.469A>G on transcript NM_001278689.2 (MANE Select); coding-DNA position 469, A replaced by G.
Protein change: p.Thr157Ala; replaces threonine 157 with alanine.
Molecular consequence: missense variant. On other transcripts: non-coding transcript variant (1).
Genome position (GRCh38, 1-based): chr3:69,005,186, T>C on the plus strand (A>G on the coding strand, the complement: EOGT is on the minus strand). VCF-style: chr3-69005186-T-C. GRCh37 (hg19) VCF-style: chr3-69054337-T-C.
Other names: c.469A>G, p.Thr157Ala (NM_173654.3); short protein forms T157A.
Identifiers: ClinVar variation 2415446 (VCV002415446.6), dbSNP rs1380576405, ClinGen allele CA353467785.

ClinVar aggregate classification (germline): Uncertain significance (1 of 4 stars; one submission).

Conditions:
Adams-Oliver syndrome 4 (AOS4). Identifiers: Orphanet 974, MedGen C3809092, MONDO:0014124, OMIM 615297.

Allele frequency attached by ClinVar (database versions not stated): gnomAD exomes below 0.00001; TOPMed below 0.00001.
gnomAD v4.1: 6 of 1,607,526 alleles (0.00037%); highest among the groups gnomAD compares: South Asian, 0.0022%; no homozygotes.

Submission:

Labcorp Genetics (formerly Invitae), Labcorp
Classification: Uncertain significance for Adams-Oliver syndrome 4. Last evaluated: 2022-03-20. Review status: criteria provided, single submitter. Criteria: Invitae Variant Classification Sherloc (09022015). Collection method: clinical testing. Allele origin: germline.
Comment: This variant has not been reported in the literature in individuals affected with EOGT-related conditions. In summary, the available evidence is currently insufficient to determine the role of this variant in disease. Therefore, it has been classified as a Variant of Uncertain Significance. Algorithms developed to predict the effect of missense changes on protein structure and function output the following: SIFT: "Tolerated"; PolyPhen-2: "Benign"; Align-GVGD: "Class C0". The alanine amino acid residue is found in multiple mammalian species, which suggests that this missense change does not adversely affect protein function. This variant is not present in population databases (gnomAD no frequency). This sequence change replaces threonine, which is neutral and polar, with alanine, which is neutral and non-polar, at codon 157 of the EOGT protein (p.Thr157Ala).